The following is an entry in ClinVar:

ClinVar aggregate classification (germline): Uncertain significance (1 of 4 stars; one submission).

Conditions:
Familial adenomatous polyposis 1 (FAP1). Also called: POLYPOSIS, ADENOMATOUS INTESTINAL; FAMILIAL ADENOMATOUS POLYPOSIS 1, ATTENUATED. Identifiers: MedGen C2713442, MONDO:0021056, OMIM 175100. Disease mechanism: loss of function.

Submission:

Labcorp Genetics (formerly Invitae), Labcorp
Classification: Uncertain significance for Familial adenomatous polyposis 1. Last evaluated: 2023-09-22. Review status: criteria provided, single submitter. Criteria: Invitae Variant Classification Sherloc (09022015). Collection method: clinical testing. Allele origin: germline.
Comment: This sequence change replaces serine, which is neutral and polar, with cysteine, which is neutral and slightly polar, at codon 1964 of the APC protein (p.Ser1964Cys). This variant is not present in population databases (gnomAD no frequency). This variant has not been reported in the literature in individuals affected with APC-related conditions. Advanced modeling of protein sequence and biophysical properties (such as structural, functional, and spatial information, amino acid conservation, physicochemical variation, residue mobility, and thermodynamic stability) has been performed at Invitae for this missense variant, however the output from this modeling did not meet the statistical confidence thresholds required to predict the impact of this variant on APC protein function. In summary, the available evidence is currently insufficient to determine the role of this variant in disease. Therefore, it has been classified as a Variant of Uncertain Significance.

NM_000038.6(APC):c.5891C>G (p.Ser1964Cys)

Gene: APC (APC regulator of Wnt signaling pathway; plus strand). Cytogenetic location: 5q22.2.
Variant type: single nucleotide variant.
Coding change: c.5891C>G on transcript NM_000038.6 (MANE Select); coding-DNA position 5891, C replaced by G.
Protein change: p.Ser1964Cys; replaces serine 1964 with cysteine.
Molecular consequence: missense variant. On other transcripts: non-coding transcript variant (2).
Genome position (GRCh38, 1-based): chr5:112,841,485, C>G. VCF-style: chr5-112841485-C-G. GRCh37 (hg19) VCF-style: chr5-112177182-C-G.
Other names: c.5891C>G, p.Ser1964Cys (NM_001127510.3, NM_001354895.2, NM_001407450.1); c.5837C>G, p.Ser1946Cys (NM_001127511.3); c.5945C>G, p.Ser1982Cys (NM_001354896.2, NM_001407447.1, NM_001407448.1 and 1 more transcripts); c.5921C>G, p.Ser1974Cys (NM_001354897.2); c.5816C>G, p.Ser1939Cys (NM_001354898.2); c.5807C>G, p.Ser1936Cys (NM_001354899.2); c.5768C>G, p.Ser1923Cys (NM_001354900.2); c.5714C>G, p.Ser1905Cys (NM_001354901.2, NM_001407453.1); and 11 more; short protein forms S1838C, S1905C, S1923C, S1939C, S1881C, S1946C, S1580C, S1863C.
Identifiers: ClinVar variation 2752767 (VCV002752767.3), dbSNP rs1060503274, ClinGen allele CA16034223.